The following is an entry in ClinVar:

ClinVar aggregate classification (germline): Uncertain significance (1 of 4 stars; one submission).

Conditions:
Familial adenomatous polyposis 1 (FAP1). Also called: FAMILIAL ADENOMATOUS POLYPOSIS 1, ATTENUATED; POLYPOSIS, ADENOMATOUS INTESTINAL. Identifiers: MedGen C2713442, MONDO:0021056, OMIM 175100. Disease mechanism: loss of function.

Submission:

Labcorp Genetics (formerly Invitae), Labcorp
Classification: Uncertain significance for Familial adenomatous polyposis 1. Last evaluated: 2025-07-22. Review status: criteria provided, single submitter. Criteria: Invitae Variant Classification Sherloc (09022015). Collection method: clinical testing. Allele origin: germline.
Comment: This sequence change replaces valine, which is neutral and non-polar, with glycine, which is neutral and non-polar, at codon 642 of the APC protein (p.Val642Gly). This variant is not present in population databases (gnomAD no frequency). This variant has not been reported in the literature in individuals affected with APC-related conditions. ClinVar contains an entry for this variant (Variation ID: 3635414). Invitae Evidence Modeling of protein sequence and biophysical properties (such as structural, functional, and spatial information, amino acid conservation, physicochemical variation, residue mobility, and thermodynamic stability) indicates that this missense variant is not expected to disrupt APC protein function with a negative predictive value of 95%. In summary, the available evidence is currently insufficient to determine the role of this variant in disease. Therefore, it has been classified as a Variant of Uncertain Significance.

NM_000038.6(APC):c.1925T>G (p.Val642Gly)

Gene: APC (APC regulator of Wnt signaling pathway; plus strand). Cytogenetic location: 5q22.2.
Variant type: single nucleotide variant.
Coding change: c.1925T>G on transcript NM_000038.6 (MANE Select); coding-DNA position 1925, T replaced by G.
Protein change: p.Val642Gly; replaces valine 642 with glycine.
Molecular consequence: missense variant. On other transcripts: non-coding transcript variant (2).
Genome position (GRCh38, 1-based): chr5:112,835,132, T>G. VCF-style: chr5-112835132-T-G. GRCh37 (hg19) VCF-style: chr5-112170829-T-G.
Other names: c.1925T>G, p.Val642Gly (NM_001127510.3, NM_001354895.2, NM_001407450.1); c.1871T>G, p.Val624Gly (NM_001127511.3); c.1979T>G, p.Val660Gly (NM_001354896.2, NM_001407447.1, NM_001407448.1 and 1 more transcripts); c.1955T>G, p.Val652Gly (NM_001354897.2); c.1850T>G, p.Val617Gly (NM_001354898.2); c.1841T>G, p.Val614Gly (NM_001354899.2); c.1802T>G, p.Val601Gly (NM_001354900.2); c.1748T>G, p.Val583Gly (NM_001354901.2, NM_001407453.1); and 11 more; short protein forms V359G, V482G, V513G, V559G, V614G, V624G, V642G, V632G.
Identifiers: ClinVar variation 3635414 (VCV003635414.2).